The following is an entry in ClinVar:

NM_000883.4(IMPDH1):c.434C>T (p.Thr145Met)

Gene: IMPDH1 (inosine monophosphate dehydrogenase 1; minus strand). Cytogenetic location: 7q32.1.
Variant type: single nucleotide variant.
Coding change: c.434C>T on transcript NM_000883.4 (MANE Select); coding-DNA position 434, C replaced by T.
Protein change: p.Thr145Met; replaces threonine 145 with methionine.
Molecular consequence: missense variant.
Genome position (GRCh38, 1-based): chr7:128,401,085, G>A on the plus strand (C>T on the coding strand, the complement: IMPDH1 is on the minus strand). VCF-style: chr7-128401085-G-A. GRCh37 (hg19) VCF-style: chr7-128041139-G-A.
Other names: c.404C>T, p.Thr135Met (NM_001102605.2); c.179C>T, p.Thr60Met (NM_001142573.2, NM_001142574.2, NM_001142575.2); c.335C>T, p.Thr112Met (NM_001142576.2); c.227C>T, p.Thr76Met (NM_001304521.2); c.326C>T, p.Thr109Met (NM_183243.3); short protein forms T76M, T145M, T109M, T112M, T135M, T60M.
Identifiers: ClinVar variation 1980755 (VCV001980755.4), dbSNP rs750159508, ClinGen allele CA4471161.

ClinVar aggregate classification (germline): Uncertain significance (1 of 4 stars; one submission).

Allele frequency attached by ClinVar (database versions not stated): TOPMed below 0.00001; ExAC 0.00002.
gnomAD v4.1: 44 of 1,613,926 alleles (0.0027%); highest among the groups gnomAD compares: East Asian, 0.0067%; no homozygotes.

Submission:

Labcorp Genetics (formerly Invitae), Labcorp
Classification: Uncertain significance. Last evaluated: 2023-10-22. Review status: criteria provided, single submitter. Criteria: Invitae Variant Classification Sherloc (09022015). Collection method: clinical testing. Allele origin: germline.
Comment: This sequence change replaces threonine, which is neutral and polar, with methionine, which is neutral and non-polar, at codon 145 of the IMPDH1 protein (p.Thr145Met). This variant is present in population databases (rs750159508, gnomAD 0.006%). This variant has not been reported in the literature in individuals affected with IMPDH1-related conditions. ClinVar contains an entry for this variant (Variation ID: 1980755). An algorithm developed to predict the effect of missense changes on protein structure and function (PolyPhen-2) suggests that this variant is likely to be tolerated. In summary, the available evidence is currently insufficient to determine the role of this variant in disease. Therefore, it has been classified as a Variant of Uncertain Significance.